The following is an entry in ClinVar:

NM_001256007.3(PNPLA8):c.1472T>C (p.Met491Thr)

Gene: PNPLA8 (patatin like domain 8, phospholipase A2; minus strand). Cytogenetic location: 7q31.1.
Variant type: single nucleotide variant.
Coding change: c.1472T>C on transcript NM_001256007.3 (MANE Select); coding-DNA position 1472, T replaced by C.
Protein change: p.Met491Thr; replaces methionine 491 with threonine.
Molecular consequence: missense variant.
Genome position (GRCh38, 1-based): chr7:108,496,737, A>G on the plus strand (T>C on the coding strand, the complement: PNPLA8 is on the minus strand). VCF-style: chr7-108496737-A-G. GRCh37 (hg19) VCF-style: chr7-108137181-A-G.
Other names: c.1472T>C, p.Met491Thr (NM_001256008.3, NM_001256009.3, NM_015723.5); c.1172T>C, p.Met391Thr (NM_001256010.3, NM_001256011.3); short protein forms M391T, M491T.
Identifiers: ClinVar variation 1954955 (VCV001954955.5), dbSNP rs781176391, ClinGen allele CA164313399.

ClinVar aggregate classification (germline): Uncertain significance (1 of 4 stars; one submission).

Allele frequency attached by ClinVar (database versions not stated): TOPMed below 0.00001; gnomAD 0.00001; gnomAD exomes 0.00001.
gnomAD v4.1: 23 of 1,610,256 alleles (0.0014%); highest among the groups gnomAD compares: Non-Finnish European, 0.0017%; 1 homozygote.

Submission:

Labcorp Genetics (formerly Invitae), Labcorp
Classification: Uncertain significance. Last evaluated: 2022-07-24. Review status: criteria provided, single submitter. Criteria: Invitae Variant Classification Sherloc (09022015). Collection method: clinical testing. Allele origin: germline.
Comment: In summary, the available evidence is currently insufficient to determine the role of this variant in disease. Therefore, it has been classified as a Variant of Uncertain Significance. Algorithms developed to predict the effect of missense changes on protein structure and function are either unavailable or do not agree on the potential impact of this missense change (SIFT: "Deleterious"; PolyPhen-2: "Possibly Damaging"; Align-GVGD: "Class C0"). This variant has not been reported in the literature in individuals affected with PNPLA8-related conditions. This variant is present in population databases (rs781176391, gnomAD 0.003%). This sequence change replaces methionine, which is neutral and non-polar, with threonine, which is neutral and polar, at codon 491 of the PNPLA8 protein (p.Met491Thr).